The following is an entry in ClinVar:

ClinVar aggregate classification (germline): Uncertain significance. Review status: criteria provided, multiple submitters, no conflicts (2 of 4 stars). 2 submissions from 2 submitters: Uncertain significance (2). Last evaluated 2024-05-18.

Conditions:
Hereditary cancer-predisposing syndrome. Also called: Neoplastic Syndromes, Hereditary; Tumor predisposition; Hereditary Cancer Syndrome; Hereditary neoplastic syndrome. Identifiers: Orphanet 140162, MedGen C0027672, MeSH D009386, MONDO:0015356.
Familial cancer of breast. Also called: BREAST CANCER, FAMILIAL; Hereditary breast cancer; hereditary breast carcinoma. Identifiers: Orphanet 227535, MedGen C0346153, MONDO:0016419, OMIM 114480. Disease mechanism: loss of function.

Allele frequency attached by ClinVar (database versions not stated): TOPMed below 0.00001; gnomAD 0.00001.
gnomAD v4.1: 1 of 1,613,896 alleles (0.000062%); highest among the groups gnomAD compares: Non-Finnish European, 0.000085%; no homozygotes.

Submissions (2):

Ambry Genetics
Classification: Uncertain significance for Hereditary cancer-predisposing syndrome. Last evaluated: 2024-05-18. Review status: criteria provided, single submitter. Criteria: Ambry Variant Classification Scheme 2023. Collection method: clinical testing. Allele origin: germline.
Comment: The p.M46R variant (also known as c.137T>G), located in coding exon 1 of the CHEK2 gene, results from a T to G substitution at nucleotide position 137. The methionine at codon 46 is replaced by arginine, an amino acid with similar properties. This amino acid position is poorly conserved in available vertebrate species. In addition, this alteration is predicted to be tolerated by in silico analysis. Since supporting evidence is limited at this time, the clinical significance of this alteration remains unclear.

Labcorp Genetics (formerly Invitae), Labcorp
Classification: Uncertain significance for Familial cancer of breast. Last evaluated: 2018-10-01. Review status: criteria provided, single submitter. Criteria: Invitae Variant Classification Sherloc (09022015). Collection method: clinical testing. Allele origin: germline.
Comment: This sequence change replaces methionine with arginine at codon 46 of the CHEK2 protein (p.Met46Arg). The methionine residue is weakly conserved and there is a moderate physicochemical difference between methionine and arginine. This variant is not present in population databases (ExAC no frequency). This variant has not been reported in the literature in individuals with CHEK2-related disease. ClinVar contains an entry for this variant (Variation ID: 483365). Algorithms developed to predict the effect of missense changes on protein structure and function (SIFT, PolyPhen-2, Align-GVGD) all suggest that this variant is likely to be tolerated, but these predictions have not been confirmed by published functional studies and their clinical significance is uncertain. In summary, the available evidence is currently insufficient to determine the role of this variant in disease. Therefore, it has been classified as a Variant of Uncertain Significance.

NM_007194.4(CHEK2):c.137T>G (p.Met46Arg)

Gene: CHEK2 (checkpoint kinase 2; minus strand). Cytogenetic location: 22q12.1.
Variant type: single nucleotide variant.
Coding change: c.137T>G on transcript NM_007194.4 (MANE Select); coding-DNA position 137, T replaced by G.
Protein change: p.Met46Arg; replaces methionine 46 with arginine.
Molecular consequence: missense variant.
Genome position (GRCh38, 1-based): chr22:28,734,585, A>C on the plus strand (T>G on the coding strand, the complement: CHEK2 is on the minus strand). VCF-style: chr22-28734585-A-C. GRCh37 (hg19) VCF-style: chr22-29130573-A-C.
Other names: c.137T>G, p.Met46Arg (NM_001005735.3, NM_001349956.3, NM_145862.3); c.-641T>G (NM_001257387.3); short protein forms M46R.
Identifiers: ClinVar variation 483365 (VCV000483365.16), dbSNP rs1555932504, ClinGen allele CA411091135.
Genomic context (GRCh38, chr22:28,734,585, plus strand): 5'-ACTGTCTCTAAGGAGCTCAGTGTCCCAGAGCTGGAGTGAGAGGACTGGCTGGAGTTTGGC[A>C]TCGTGCTGGTAGAGGAGCTGGATATGCCCTGGGACTGTGAGGAGGAGCCTTGGGACTGGG-3'
Protein context (NP_009125.1, residues 36-56): QGISSSSTST[Met46Arg]PNSSQSSHSS